The following is an entry in ClinVar:

NM_001005242.3(PKP2):c.809A>G (p.Gln270Arg)

Gene: PKP2 (plakophilin 2; minus strand). Cytogenetic location: 12p11.21.
Variant type: single nucleotide variant.
Coding change: c.809A>G on transcript NM_001005242.3 (MANE Select); coding-DNA position 809, A replaced by G.
Protein change: p.Gln270Arg; replaces glutamine 270 with arginine.
Molecular consequence: missense variant.
Genome position (GRCh38, 1-based): chr12:32,878,071, T>C on the plus strand (A>G on the coding strand, the complement: PKP2 is on the minus strand). VCF-style: chr12-32878071-T-C. GRCh37 (hg19) VCF-style: chr12-33031005-T-C.
Other names: c.809A>G, p.Gln270Arg (NM_001407155.1, NM_001407156.1, NM_001407157.1 and 2 more transcripts); c.482A>G, p.Gln161Arg (NM_001407158.1, NM_001407159.1, NM_001407160.1 and 1 more transcripts); short protein forms Q270R, Q161R.
Identifiers: ClinVar variation 2118377 (VCV002118377.4), dbSNP rs2541339582, ClinGen allele CA384362376.

ClinVar aggregate classification (germline): Uncertain significance (1 of 4 stars; one submission).

Conditions:
Arrhythmogenic right ventricular dysplasia 9 (ARVD9). Also called: Arrhythmogenic Right Ventricular Dysplasia/Cardiomyopathy 9; ARRHYTHMOGENIC RIGHT VENTRICULAR DYSPLASIA, FAMILIAL, 9. Identifiers: MedGen C1836906, MONDO:0012180, OMIM 609040.

Submission:

Labcorp Genetics (formerly Invitae), Labcorp
Classification: Uncertain significance for Arrhythmogenic right ventricular dysplasia 9. Last evaluated: 2022-04-11. Review status: criteria provided, single submitter. Criteria: Invitae Variant Classification Sherloc (09022015). Collection method: clinical testing. Allele origin: germline.
Comment: This sequence change replaces glutamine, which is neutral and polar, with arginine, which is basic and polar, at codon 270 of the PKP2 protein (p.Gln270Arg). This variant is not present in population databases (gnomAD no frequency). This variant has not been reported in the literature in individuals affected with PKP2-related conditions. Algorithms developed to predict the effect of missense changes on protein structure and function output the following: SIFT: "Tolerated"; PolyPhen-2: "Possibly Damaging"; Align-GVGD: "Class C0". The arginine amino acid residue is found in multiple mammalian species, which suggests that this missense change does not adversely affect protein function. In summary, the available evidence is currently insufficient to determine the role of this variant in disease. Therefore, it has been classified as a Variant of Uncertain Significance.